The following is an entry in ClinVar:

ClinVar aggregate classification (germline): Uncertain significance (1 of 4 stars; one submission).

Conditions:
Distal hereditary motor neuropathy type 2. Identifiers: Orphanet 139525, MedGen C3711384, MeSH C580044, MONDO:0015352.

Submission:

Labcorp Genetics (formerly Invitae), Labcorp
Classification: Uncertain significance for Distal hereditary motor neuropathy type 2. Last evaluated: 2022-04-08. Review status: criteria provided, single submitter. Criteria: Invitae Variant Classification Sherloc (09022015). Collection method: clinical testing. Allele origin: germline.
Comment: This variant is not present in population databases (gnomAD no frequency). This sequence change replaces leucine, which is neutral and non-polar, with valine, which is neutral and non-polar, at codon 1000 of the FBXO38 protein (p.Leu1000Val). This variant has not been reported in the literature in individuals affected with FBXO38-related conditions. In summary, the available evidence is currently insufficient to determine the role of this variant in disease. Therefore, it has been classified as a Variant of Uncertain Significance. Algorithms developed to predict the effect of missense changes on protein structure and function are either unavailable or do not agree on the potential impact of this missense change (SIFT: "Tolerated"; PolyPhen-2: "Probably Damaging"; Align-GVGD: "Class C0").

NM_205836.3(FBXO38):c.3223T>G (p.Leu1075Val)

Gene: FBXO38 (F-box protein 38; plus strand). Cytogenetic location: 5q32.
Variant type: single nucleotide variant.
Coding change: c.3223T>G on transcript NM_205836.3 (MANE Select); coding-DNA position 3223, T replaced by G.
Protein change: p.Leu1075Val; replaces leucine 1075 with valine.
Molecular consequence: missense variant.
Genome position (GRCh38, 1-based): chr5:148,440,476, T>G. VCF-style: chr5-148440476-T-G. GRCh37 (hg19) VCF-style: chr5-147820039-T-G.
Other names: c.2488T>G, p.Leu830Val (NM_001271723.2); c.2998T>G, p.Leu1000Val (NM_030793.5); short protein forms L1000V, L1075V, L830V.
Identifiers: ClinVar variation 2123155 (VCV002123155.4), dbSNP rs2531862252, ClinGen allele CA361661121.